The following is an entry in ClinVar:

NM_003803.4(MYOM1):c.296C>A (p.Thr99Lys)

Gene: MYOM1 (myomesin 1; minus strand). Cytogenetic location: 18p11.31.
Variant type: single nucleotide variant.
Coding change: c.296C>A on transcript NM_003803.4 (MANE Select); coding-DNA position 296, C replaced by A.
Protein change: p.Thr99Lys; replaces threonine 99 with lysine.
Molecular consequence: missense variant.
Genome position (GRCh38, 1-based): chr18:3,193,953, G>T on the plus strand (C>A on the coding strand, the complement: MYOM1 is on the minus strand). VCF-style: chr18-3193953-G-T. GRCh37 (hg19) VCF-style: chr18-3193951-G-T.
Other names: c.296C>A, p.Thr99Lys (NM_019856.2); short protein forms T99K.
Identifiers: ClinVar variation 1024388 (VCV001024388.8), dbSNP rs776516464, ClinGen allele CA8875277.

ClinVar aggregate classification (germline): Uncertain significance (1 of 4 stars; one submission).

Conditions:
Hypertrophic cardiomyopathy. Also called: HYPERTROPHIC MYOCARDIOPATHY. Identifiers: Orphanet 217569, MedGen C0007194, MeSH D002312, MONDO:0005045, HP:0001639.

Allele frequency attached by ClinVar (database versions not stated): gnomAD 0.00001; TOPMed 0.00001; ExAC 0.00002.
gnomAD v4.1: 33 of 1,613,230 alleles (0.002%); highest among the groups gnomAD compares: Non-Finnish European, 0.0028%; no homozygotes.

Submission:

Labcorp Genetics (formerly Invitae), Labcorp
Classification: Uncertain significance for Hypertrophic cardiomyopathy. Last evaluated: 2023-10-09. Review status: criteria provided, single submitter. Criteria: Invitae Variant Classification Sherloc (09022015). Collection method: clinical testing. Allele origin: germline.
Comment: This sequence change replaces threonine, which is neutral and polar, with lysine, which is basic and polar, at codon 99 of the MYOM1 protein (p.Thr99Lys). This variant is present in population databases (rs776516464, gnomAD 0.002%). This variant has not been reported in the literature in individuals affected with MYOM1-related conditions. ClinVar contains an entry for this variant (Variation ID: 1024388). An algorithm developed to predict the effect of missense changes on protein structure and function (PolyPhen-2) suggests that this variant is likely to be tolerated. Algorithms developed to predict the effect of sequence changes on RNA splicing suggest that this variant may create or strengthen a splice site. In summary, the available evidence is currently insufficient to determine the role of this variant in disease. Therefore, it has been classified as a Variant of Uncertain Significance.